The following is an entry in ClinVar:

ClinVar aggregate classification (germline): Uncertain significance (1 of 4 stars; one submission).

Conditions:
Fibrous dysplasia of jaw (CRBM). Also called: Cherubism. Identifiers: Orphanet 184, MedGen C0008029, MONDO:0007315, OMIM 118400.

Allele frequency attached by ClinVar (database versions not stated): gnomAD exomes 0.00001.
gnomAD v4.1: 17 of 1,614,196 alleles (0.0011%); highest among the groups gnomAD compares: Non-Finnish European, 0.0014%; no homozygotes.

Submission:

Labcorp Genetics (formerly Invitae), Labcorp
Classification: Uncertain significance for Fibrous dysplasia of jaw. Last evaluated: 2023-06-13. Review status: criteria provided, single submitter. Criteria: Invitae Variant Classification Sherloc (09022015). Collection method: clinical testing. Allele origin: germline.
Comment: This sequence change replaces tryptophan, which is neutral and slightly polar, with cysteine, which is neutral and slightly polar, at codon 501 of the SH3BP2 protein (p.Trp501Cys). This variant is not present in population databases (gnomAD no frequency). This variant has not been reported in the literature in individuals affected with SH3BP2-related conditions. Advanced modeling of protein sequence and biophysical properties (such as structural, functional, and spatial information, amino acid conservation, physicochemical variation, residue mobility, and thermodynamic stability) performed at Invitae indicates that this missense variant is not expected to disrupt SH3BP2 protein function. In summary, the available evidence is currently insufficient to determine the role of this variant in disease. Therefore, it has been classified as a Variant of Uncertain Significance.

NM_001122681.2(SH3BP2):c.1503G>C (p.Trp501Cys)

Gene: SH3BP2 (SH3 domain binding protein 2; plus strand). Cytogenetic location: 4p16.3.
Variant type: single nucleotide variant.
Coding change: c.1503G>C on transcript NM_001122681.2 (MANE Select); coding-DNA position 1503, G replaced by C.
Protein change: p.Trp501Cys; replaces tryptophan 501 with cysteine.
Molecular consequence: missense variant.
Genome position (GRCh38, 1-based): chr4:2,833,004, G>C. VCF-style: chr4-2833004-G-C. GRCh37 (hg19) VCF-style: chr4-2834731-G-C.
Other names: c.1587G>C, p.Trp529Cys (NM_001145855.2); c.1674G>C, p.Trp558Cys (NM_001145856.2); c.1503G>C, p.Trp501Cys (NM_003023.4); short protein forms W558C, W529C, W501C.
Identifiers: ClinVar variation 2864605 (VCV002864605.3), dbSNP rs1725079013, ClinGen allele CA356059154.